The following is an entry in ClinVar:

ClinVar aggregate classification (germline): Benign/Likely benign. Review status: criteria provided, multiple submitters, no conflicts (2 of 4 stars). 3 submissions from 3 submitters: Benign (1); Likely benign (1). 1 of the submissions does not count toward it. Last evaluated 2026-01-18.

Conditions:
DNAH11-related disorder. Also called: DNAH11-related condition.
Primary ciliary dyskinesia. Also called: Ciliary dyskinesia. Identifiers: Orphanet 244, MedGen C0008780, MONDO:0016575, HP:0012265.

Allele frequency attached by ClinVar (database versions not stated): ExAC 0.00031; 1000 Genomes Project 30x 0.00109; 1000 Genomes Project 0.00120; gnomAD 0.00124 and 0.00127; TOPMed 0.00134; ESP Exome Variant Server 0.00151.
gnomAD v4.1: 359 of 1,613,598 alleles (0.022%); highest among the groups gnomAD compares: African/African-American, 0.43%; 1 homozygote.

Submissions (3):

Labcorp Genetics (formerly Invitae), Labcorp
Classification: Benign for Primary ciliary dyskinesia. Last evaluated: 2026-01-18. Review status: criteria provided, single submitter. Criteria: Invitae Variant Classification Sherloc (09022015). Collection method: clinical testing. Allele origin: germline.

Blueprint Genetics
Classification: Likely benign. Last evaluated: 2023-11-27. Review status: criteria provided, single submitter. Criteria: ACMG Guidelines, 2015. Collection method: clinical testing. Allele origin: germline.

PreventionGenetics, part of Exact Sciences
Classification: Likely benign for DNAH11-related condition. Last evaluated: 2019-07-17. Review status: no assertion criteria provided. Collection method: clinical testing. Allele origin: germline. Not counted in ClinVar's aggregate classification.
Comment: This variant is classified as likely benign based on ACMG/AMP sequence variant interpretation guidelines (Richards et al. 2015 PMID: 25741868, with internal and published modifications).

NM_001277115.2(DNAH11):c.10165+7C>T

Gene: DNAH11 (dynein axonemal heavy chain 11; plus strand). Cytogenetic location: 7p15.3.
Variant type: single nucleotide variant.
Coding change: c.10165+7C>T on transcript NM_001277115.2 (MANE Select); 7 bases into the intron after coding-DNA position 10165, C replaced by T.
Molecular consequence: intron variant.
Genome position (GRCh38, 1-based): chr7:21,801,282, C>T. VCF-style: chr7-21801282-C-T. GRCh37 (hg19) VCF-style: chr7-21840900-C-T.
Identifiers: ClinVar variation 416432 (VCV000416432.15), dbSNP rs76424325, ClinGen allele CA4182250.